The following is an entry in ClinVar:

ClinVar aggregate classification (germline): Uncertain significance (1 of 4 stars; one submission).

Conditions:
Hereditary breast ovarian cancer syndrome. Also called: Hereditary breast and ovarian cancer syndrome; Hereditary breast and/or ovarian cancer syndrome; Hereditary breast and ovarian cancer; Hereditary breast and ovarian cancer syndrome (HBOC); Breast and ovarian cancer; BRCA1- and BRCA2-Associated Hereditary Breast and Ovarian Cancer. Identifiers: Orphanet 145, MedGen C0677776, MeSH D061325, MONDO:0003582. Disease mechanism: loss of function.

Submission:

Labcorp Genetics (formerly Invitae), Labcorp
Classification: Uncertain significance for Hereditary breast ovarian cancer syndrome. Last evaluated: 2021-07-27. Review status: criteria provided, single submitter. Criteria: Invitae Variant Classification Sherloc (09022015). Collection method: clinical testing. Allele origin: germline.
Comment: In summary, the available evidence is currently insufficient to determine the role of this variant in disease. Therefore, it has been classified as a Variant of Uncertain Significance. Algorithms developed to predict the effect of sequence changes on RNA splicing suggest that this variant is not likely to affect RNA splicing, but this prediction has not been confirmed by published transcriptional studies. This variant has not been reported in the literature in individuals with BRCA2-related conditions. This variant is not present in population databases (ExAC no frequency). This sequence change affects codon 264 of the BRCA2 mRNA. It is a 'silent' change, meaning that it does not change the encoded amino acid sequence of the BRCA2 protein.

NM_000059.4(BRCA2):c.792T>C (p.His264=)

Gene: BRCA2 (BRCA2 DNA repair associated; plus strand). Cytogenetic location: 13q13.1.
Variant type: single nucleotide variant.
Coding change: c.792T>C on transcript NM_000059.4 (MANE Select); coding-DNA position 792, T replaced by C.
Protein change: p.His264=; no amino-acid change (histidine 264 retained).
Molecular consequence: synonymous variant.
Genome position (GRCh38, 1-based): chr13:32,331,029, T>C. VCF-style: chr13-32331029-T-C. GRCh37 (hg19) VCF-style: chr13-32905166-T-C.
Identifiers: ClinVar variation 1034665 (VCV001034665.9), dbSNP rs2072387579, ClinGen allele CA483274570.